The following is an entry in ClinVar:

ClinVar aggregate classification (germline): Pathogenic (1 of 4 stars; one submission).

Conditions:
Mucopolysaccharidosis, MPS-III-C (MPS3C). Also called: SANFILIPPO SYNDROME C; MPS III C; MUCOPOLYSACCHARIDOSIS, TYPE IIIC; Mucopolysaccharidosis type IIIC (Sanfilippo C); mucopolysaccharidosis type 3C; MPS IIIC (Sanfilippo Syndrome Type C). Identifiers: Orphanet 581, Orphanet 79271, MedGen C0086649, MONDO:0009657, OMIM 252930.

Submission:

Myriad Genetics, Inc.
Classification: Pathogenic for Mucopolysaccharidosis, MPS-III-C. Last evaluated: 2023-09-27. Review status: criteria provided, single submitter. Criteria: Myriad Autosomal Dominant, Autosomal Recessive and X-Linked Classification Criteria (2023). Collection method: clinical testing. Allele origin: unknown.
Comment: NM_152419.2(HGSNAT):c.10dupG(A4Gfs*57) is expected to be pathogenic in the context of mucopolysaccharidosis type IIIC. This variant is predicted to lead to an abnormal or absent protein product due to the creation of a premature termination codon in HGSNAT, a gene where loss-of-function variants are known to be pathogenic. Please note: this variant was assessed in the context of healthy population screening.

NM_152419.3(HGSNAT):c.10dup (p.Ala4fs)

Genes: HGSNAT (heparan-alpha-glucosaminide N-acetyltransferase; plus strand), LOC130000316 (ATAC-STARR-seq lymphoblastoid silent region 19164; plus strand). Cytogenetic location: 8p11.21.
Variant type: Duplication.
Coding change: c.10dup on transcript NM_152419.3 (MANE Select); coding-DNA position 10, one base duplicated (G; older notation c.10dupG).
Protein change: p.Ala4fs; shifts the reading frame from alanine 4.
Molecular consequence: frameshift variant. On other transcripts: 5 prime UTR variant (1).
Genome position (GRCh38, 1-based): chr8:43,140,506, G duplicated; the last of 4 consecutive G bases (chr8:43,140,503-43,140,506); duplicating any one gives the same sequence. VCF-style (leftmost placement, unchanged base first): chr8-43140502-C-CG. GRCh37 (hg19) VCF-style: chr8-42995645-C-CG.
Other names: c.10dup, p.Ala4fs (NM_001363227.2, NM_001363228.2); c.-824dup (NM_001363229.2); short protein forms A4fs.
Identifiers: ClinVar variation 5011926 (VCV005011926.1).